The following is an entry in ClinVar:

NM_000465.4(BARD1):c.163A>T (p.Asn55Tyr)

Gene: BARD1 (BRCA1 associated RING domain 1; minus strand). Cytogenetic location: 2q35.
Variant type: single nucleotide variant.
Coding change: c.163A>T on transcript NM_000465.4 (MANE Select); coding-DNA position 163, A replaced by T.
Protein change: p.Asn55Tyr; replaces asparagine 55 with tyrosine.
Molecular consequence: missense variant. On other transcripts: non-coding transcript variant (2), intron variant (2).
Genome position (GRCh38, 1-based): chr2:214,797,113, T>A on the plus strand (A>T on the coding strand, the complement: BARD1 is on the minus strand). VCF-style: chr2-214797113-T-A. GRCh37 (hg19) VCF-style: chr2-215661837-T-A.
Other names: c.163A>T, p.Asn55Tyr (NM_001282545.2, NM_001282549.2); c.158+12299A>T (NM_001282548.2); c.159-4668A>T (NM_001282543.2); short protein forms N55Y.
Identifiers: ClinVar variation 460715 (VCV000460715.15), dbSNP rs1039799564, ClinGen allele CA64802352.
Genomic context (GRCh38, chr2:214,797,113, plus strand): 5'-TTACTTACCTACAGAAGATGTGCTCACATCCTCCTAAACACACAGGCTCTCTCAGAATGT[T>A]AGTACTGTTTGAAGAAATTAAAACAATCAAGATTTGAGTCATTGTTAGATAAACATCTCA-3'
Protein context (NP_000456.2, residues 45-65): EKLLRCSRCT[Asn55Tyr]ILREPVCLGG

ClinVar aggregate classification (germline): Uncertain significance. Review status: criteria provided, multiple submitters, no conflicts (2 of 4 stars). 3 submissions from 3 submitters: Uncertain significance (3). Last evaluated 2025-12-10.

Conditions:
Familial cancer of breast. Also called: BREAST CANCER, FAMILIAL; hereditary breast carcinoma; Hereditary breast cancer. Identifiers: Orphanet 227535, MedGen C0346153, MONDO:0016419, OMIM 114480. Disease mechanism: loss of function.
Hereditary cancer-predisposing syndrome. Also called: Neoplastic Syndromes, Hereditary; Tumor predisposition; Hereditary Cancer Syndrome; Hereditary neoplastic syndrome. Identifiers: Orphanet 140162, MedGen C0027672, MeSH D009386, MONDO:0015356.

Allele frequency attached by ClinVar (database versions not stated): gnomAD 0.00001; TOPMed 0.00001.
gnomAD v4.1: 1 of 1,612,388 alleles (0.000062%); highest among the groups gnomAD compares: Non-Finnish European, 0.000085%; no homozygotes.

Submissions (3):

Labcorp Genetics (formerly Invitae), Labcorp
Classification: Uncertain significance for Familial cancer of breast. Last evaluated: 2025-12-10. Review status: criteria provided, single submitter. Criteria: Invitae Variant Classification Sherloc (09022015). Collection method: clinical testing. Allele origin: germline.
Comment: This sequence change replaces asparagine, which is neutral and polar, with tyrosine, which is neutral and polar, at codon 55 of the BARD1 protein (p.Asn55Tyr). This variant is not present in population databases (gnomAD no frequency). This variant has not been reported in the literature in individuals affected with BARD1-related conditions. ClinVar contains an entry for this variant (Variation ID: 460715). An algorithm developed to predict the effect of missense changes on protein structure and function (PolyPhen-2) suggests that this variant is likely to be tolerated. In summary, the available evidence is currently insufficient to determine the role of this variant in disease. Therefore, it has been classified as a Variant of Uncertain Significance.

Color Diagnostics, LLC DBA Color Health
Classification: Uncertain significance for Hereditary cancer-predisposing syndrome. Last evaluated: 2025-09-11. Review status: criteria provided, single submitter. Criteria: ACMG Guidelines, 2015. Collection method: clinical testing. Allele origin: germline.
Comment: This missense variant replaces asparagine with tyrosine at codon 55 of the BARD1 protein. Computational prediction suggests that this variant may not impact protein structure and function. To our knowledge, functional studies have not been reported for this variant. This variant has not been reported in individuals affected with BARD1-related disorders in the literature. This variant has not been identified in the general population by the Genome Aggregation Database (gnomAD). The available evidence is insufficient to determine the role of this variant in disease conclusively. Therefore, this variant is classified as a Variant of Uncertain Significance.

Ambry Genetics
Classification: Uncertain significance for Hereditary cancer-predisposing syndrome. Last evaluated: 2023-08-23. Review status: criteria provided, single submitter. Criteria: Ambry Variant Classification Scheme 2023. Collection method: clinical testing. Allele origin: germline.
Comment: The p.N55Y variant (also known as c.163A>T), located in coding exon 2 of the BARD1 gene, results from an A to T substitution at nucleotide position 163. The asparagine at codon 55 is replaced by tyrosine, an amino acid with dissimilar properties. This amino acid position is not well conserved in available vertebrate species. In addition, this alteration is predicted to be tolerated by in silico analysis. Since supporting evidence is limited at this time, the clinical significance of this alteration remains unclear.